The following is an entry in ClinVar:

NM_198578.4(LRRK2):c.539G>C (p.Gly180Ala)

Gene: LRRK2 (leucine rich repeat kinase 2; plus strand). Cytogenetic location: 12q12.
Variant type: single nucleotide variant.
Coding change: c.539G>C on transcript NM_198578.4 (MANE Select); coding-DNA position 539, G replaced by C.
Protein change: p.Gly180Ala; replaces glycine 180 with alanine.
Molecular consequence: missense variant.
Genome position (GRCh38, 1-based): chr12:40,238,071, G>C. VCF-style: chr12-40238071-G-C. GRCh37 (hg19) VCF-style: chr12-40631873-G-C.
Other names: short protein forms G180A.
Identifiers: ClinVar variation 1444528 (VCV001444528.6), dbSNP rs199807643, ClinGen allele CA6513119.

ClinVar aggregate classification (germline): Uncertain significance (1 of 4 stars; one submission).

Conditions:
Autosomal dominant Parkinson disease 8. Also called: Parkinson disease 8, susceptibility to; LRRK2-Related Parkinson Disease; Parkinson disease 8. Identifiers: Orphanet 411602, MedGen C1846862, MONDO:0011764, OMIM 607060.

Allele frequency attached by ClinVar (database versions not stated): TOPMed 0.00002; gnomAD 0.00003; ESP Exome Variant Server 0.00008.
gnomAD v4.1: 43 of 1,613,538 alleles (0.0027%); highest among the groups gnomAD compares: Non-Finnish European, 0.0035%; no homozygotes.

Submission:

Labcorp Genetics (formerly Invitae), Labcorp
Classification: Uncertain significance for Autosomal dominant Parkinson disease 8. Last evaluated: 2025-07-14. Review status: criteria provided, single submitter. Criteria: Invitae Variant Classification Sherloc (09022015). Collection method: clinical testing. Allele origin: germline.
Comment: This sequence change replaces glycine, which is neutral and non-polar, with alanine, which is neutral and non-polar, at codon 180 of the LRRK2 protein (p.Gly180Ala). This variant is present in population databases (rs199807643, gnomAD 0.006%). This variant has not been reported in the literature in individuals affected with LRRK2-related conditions. ClinVar contains an entry for this variant (Variation ID: 1444528). Invitae Evidence Modeling of protein sequence and biophysical properties (such as structural, functional, and spatial information, amino acid conservation, physicochemical variation, residue mobility, and thermodynamic stability) has been performed for this missense variant. However, the output from this modeling did not meet the statistical confidence thresholds required to predict the impact of this variant on LRRK2 protein function. In summary, the available evidence is currently insufficient to determine the role of this variant in disease. Therefore, it has been classified as a Variant of Uncertain Significance.